The following is an entry in ClinVar:

NM_001267550.2(TTN):c.102106G>A (p.Glu34036Lys)

Genes: TTN (titin; minus strand), TTN-AS1 (TTN antisense RNA 1; plus strand). Cytogenetic location: 2q31.2.
Variant type: single nucleotide variant.
Coding change: c.102106G>A on transcript NM_001267550.2 (MANE Select); coding-DNA position 102106, G replaced by A.
Protein change: p.Glu34036Lys; replaces glutamic acid 34036 with lysine.
Molecular consequence: missense variant.
Genome position (GRCh38, 1-based): chr2:178,534,509, C>T on the plus strand (G>A on the coding strand, the complement: TTN is on the minus strand). VCF-style: chr2-178534509-C-T. GRCh37 (hg19) VCF-style: chr2-179399236-C-T.
Other names: c.97183G>A, p.Glu32395Lys (NM_001256850.1); c.74911G>A, p.Glu24971Lys (NM_003319.4); c.94402G>A, p.Glu31468Lys (NM_133378.4); c.75286G>A, p.Glu25096Lys (NM_133432.3); c.75487G>A, p.Glu25163Lys (NM_133437.4); short protein forms E32395K, E31468K, E34036K, E25163K, E24971K, E25096K.
Identifiers: ClinVar variation 2198486 (VCV002198486.5), dbSNP rs2468538480, ClinGen allele CA349418349.

ClinVar aggregate classification (germline): Uncertain significance. Review status: criteria provided, multiple submitters, no conflicts (2 of 4 stars). 2 submissions from 2 submitters: Uncertain significance (2). Last evaluated 2024-09-30.

Conditions:
Dilated cardiomyopathy 1G (CMD1G). Identifiers: Orphanet 154, MedGen C1858763, MONDO:0011400, OMIM 604145.
Autosomal recessive limb-girdle muscular dystrophy type 2J (LGMDR10). Also called: Limb-girdle muscular dystrophy, type 2J; MUSCULAR DYSTROPHY, LIMB-GIRDLE, AUTOSOMAL RECESSIVE 10. Identifiers: Orphanet 140922, MedGen C1837342, MONDO:0012127, OMIM 608807.

Allele frequency attached by ClinVar (database versions not stated): gnomAD exomes below 0.00001.
gnomAD v4.1: 4 of 1,613,844 alleles (0.00025%); highest among the groups gnomAD compares: South Asian, 0.0011%; no homozygotes.

Submissions (2):

Labcorp Genetics (formerly Invitae), Labcorp
Classification: Uncertain significance for Dilated cardiomyopathy 1G; Autosomal recessive limb-girdle muscular dystrophy type 2J. Last evaluated: 2024-09-30. Review status: criteria provided, single submitter. Criteria: Invitae Variant Classification Sherloc (09022015). Collection method: clinical testing. Allele origin: germline.
Comment: This sequence change replaces glutamic acid, which is acidic and polar, with lysine, which is basic and polar, at codon 34036 of the TTN protein (p.Glu34036Lys). This variant is not present in population databases (gnomAD no frequency). This variant has not been reported in the literature in individuals affected with TTN-related conditions. ClinVar contains an entry for this variant (Variation ID: 2198486). Experimental studies and prediction algorithms are not available or were not evaluated, and the functional significance of this variant is currently unknown. This variant is located in the M band of TTN (PMID: 25589632). Non-truncating variants in this region may be relevant for neuromuscular disorders, but have not been definitively shown to cause cardiomyopathy (PMID: 23975875). In summary, the available evidence is currently insufficient to determine the role of this variant in disease. Therefore, it has been classified as a Variant of Uncertain Significance.

GeneDx
Classification: Uncertain significance. Last evaluated: 2024-06-12. Review status: criteria provided, single submitter. Criteria: GeneDx Variant Classification Process June 2021. Collection method: clinical testing. Allele origin: germline. Affected: yes.
Comment: Not observed at significant frequency in large population cohorts (gnomAD); Missense variant in a gene in which most reported pathogenic variants are truncating/loss of function; Has not been previously published as pathogenic or benign to our knowledge

Literature cited by the submitters: PubMed 25589632 (cited by Labcorp Genetics (formerly Invitae), Labcorp); PubMed 23975875 (cited by Labcorp Genetics (formerly Invitae), Labcorp).